The following is an entry in ClinVar:

NM_001197104.2(KMT2A):c.6266C>A (p.Thr2089Asn)

Gene: KMT2A (lysine methyltransferase 2A; plus strand). Cytogenetic location: 11q23.3.
Variant type: single nucleotide variant.
Coding change: c.6266C>A on transcript NM_001197104.2 (MANE Select); coding-DNA position 6266, C replaced by A.
Protein change: p.Thr2089Asn; replaces threonine 2089 with asparagine.
Molecular consequence: missense variant.
Genome position (GRCh38, 1-based): chr11:118,501,094, C>A. VCF-style: chr11-118501094-C-A. GRCh37 (hg19) VCF-style: chr11-118371809-C-A.
Other names: c.6257C>A, p.Thr2086Asn (NM_005933.4); c.6356C>A, p.Thr2119Asn (NM_001412597.1); short protein forms T2086N, T2089N, T2119N.
Identifiers: ClinVar variation 3002968 (VCV003002968.4), dbSNP rs782360640, ClinGen allele CA6304216.

ClinVar aggregate classification (germline): Uncertain significance. Review status: criteria provided, multiple submitters, no conflicts (2 of 4 stars). 2 submissions from 2 submitters: Uncertain significance (2). Last evaluated 2025-08-25.

Conditions:
Inborn genetic diseases. Identifiers: MedGen C0950123, MeSH D030342.

Allele frequency attached by ClinVar (database versions not stated): ExAC 0.00001; TOPMed 0.00001; gnomAD exomes 0.00002.
gnomAD v4.1: 27 of 1,614,108 alleles (0.0017%); highest among the groups gnomAD compares: Non-Finnish European, 0.0023%; no homozygotes.

Submissions (2):

Ambry Genetics
Classification: Uncertain significance for Inborn genetic diseases. Last evaluated: 2025-08-25. Review status: criteria provided, single submitter. Criteria: Ambry Variant Classification Scheme 2023. Collection method: clinical testing. Allele origin: germline.

Labcorp Genetics (formerly Invitae), Labcorp
Classification: Uncertain significance. Last evaluated: 2024-11-19. Review status: criteria provided, single submitter. Criteria: Invitae Variant Classification Sherloc (09022015). Collection method: clinical testing. Allele origin: germline.
Comment: This sequence change replaces threonine, which is neutral and polar, with asparagine, which is neutral and polar, at codon 2089 of the KMT2A protein (p.Thr2089Asn). This variant is present in population databases (rs782360640, gnomAD 0.0009%). This variant has not been reported in the literature in individuals affected with KMT2A-related conditions. ClinVar contains an entry for this variant (Variation ID: 3002968). Invitae Evidence Modeling of protein sequence and biophysical properties (such as structural, functional, and spatial information, amino acid conservation, physicochemical variation, residue mobility, and thermodynamic stability) indicates that this missense variant is not expected to disrupt KMT2A protein function with a negative predictive value of 95%. In summary, the available evidence is currently insufficient to determine the role of this variant in disease. Therefore, it has been classified as a Variant of Uncertain Significance.